The following is an entry in ClinVar:

NM_025009.5(CEP135):c.2534T>C (p.Val845Ala)

Gene: CEP135 (centrosomal protein 135; plus strand). Cytogenetic location: 4q12.
Variant type: single nucleotide variant.
Coding change: c.2534T>C on transcript NM_025009.5 (MANE Select); coding-DNA position 2534, T replaced by C.
Protein change: p.Val845Ala; replaces valine 845 with alanine.
Molecular consequence: missense variant.
Genome position (GRCh38, 1-based): chr4:56,011,440, T>C. VCF-style: chr4-56011440-T-C. GRCh37 (hg19) VCF-style: chr4-56877606-T-C.
Other names: short protein forms V845A.
Identifiers: ClinVar variation 210678 (VCV000210678.11), dbSNP rs141330867, ClinGen allele CA205275.

ClinVar aggregate classification (germline): Conflicting classifications of pathogenicity. Review status: criteria provided, conflicting classifications (1 of 4 stars). 4 submissions from 4 submitters: Uncertain significance (3); Likely benign (1). Last evaluated 2024-10-07.

Conditions:
Microcephaly 8, primary, autosomal recessive. Identifiers: Orphanet 2512, MedGen C3553414, MONDO:0013849, OMIM 614673.
Inborn genetic diseases. Identifiers: MedGen C0950123, MeSH D030342.

Allele frequency attached by ClinVar (database versions not stated): gnomAD exomes 0.00006 and 0.00023; ESP Exome Variant Server 0.00008; gnomAD 0.00011 and 0.00012; ExAC 0.00015; TOPMed 0.00020; 1000 Genomes Project 0.00040; 1000 Genomes Project 30x 0.00047.
gnomAD v4.1: 98 of 1,612,474 alleles (0.0061%); highest among the groups gnomAD compares: East Asian, 0.087%; 1 homozygote.

Submissions (4):

Labcorp Genetics (formerly Invitae), Labcorp
Classification: Uncertain significance. Last evaluated: 2024-10-07. Review status: criteria provided, single submitter. Criteria: Invitae Variant Classification Sherloc (09022015). Collection method: clinical testing. Allele origin: germline.
Comment: This sequence change replaces valine, which is neutral and non-polar, with alanine, which is neutral and non-polar, at codon 845 of the CEP135 protein (p.Val845Ala). This variant is present in population databases (rs141330867, gnomAD 0.1%). This variant has not been reported in the literature in individuals affected with CEP135-related conditions. ClinVar contains an entry for this variant (Variation ID: 210678). An algorithm developed to predict the effect of missense changes on protein structure and function (PolyPhen-2) suggests that this variant¬†is likely to be tolerated. In summary, the available evidence is currently insufficient to determine the role of this variant in disease. Therefore, it has been classified as a Variant of Uncertain Significance.

Ambry Genetics
Classification: Likely benign for Inborn genetic diseases. Last evaluated: 2021-08-02. Review status: criteria provided, single submitter. Criteria: Ambry Variant Classification Scheme 2023. Collection method: clinical testing. Allele origin: germline.

Baylor Genetics
Classification: Uncertain significance for Microcephaly 8, primary, autosomal recessive. Last evaluated: 2018-10-24. Review status: criteria provided, single submitter. Criteria: ACMG Guidelines, 2015. Collection method: clinical testing. Allele origin: paternal. Affected: yes.
Comment: This variant was determined to be of uncertain significance according to ACMG Guidelines, 2015 [PMID:25741868].

Genetic Services Laboratory, University of Chicago
Classification: Uncertain significance. Last evaluated: 2014-09-23. Review status: criteria provided, single submitter. Criteria: ACMG Guidelines, 2015. Collection method: clinical testing. Allele origin: germline.